The following is an entry in ClinVar:

NM_001849.4(COL6A2):c.1816+6G>A

Gene: COL6A2 (collagen type VI alpha 2 chain; plus strand). Cytogenetic location: 21q22.3.
Variant type: single nucleotide variant.
Coding change: c.1816+6G>A on transcript NM_001849.4 (MANE Select); 6 bases into the intron after coding-DNA position 1816, G replaced by A.
Molecular consequence: intron variant.
Genome position (GRCh38, 1-based): chr21:46,125,317, G>A. VCF-style: chr21-46125317-G-A. GRCh37 (hg19) VCF-style: chr21-47545231-G-A.
Other names: c.1816+6G>A (NM_058175.3, NM_058174.3).
Identifiers: ClinVar variation 2983960 (VCV002983960.3), dbSNP rs2517015799, ClinGen allele CA2740094764.

ClinVar aggregate classification (germline): Uncertain significance (1 of 4 stars; one submission).

Conditions:
Bethlem myopathy 1A. Also called: MYOPATHY, BENIGN CONGENITAL, WITH CONTRACTURES; Bethlem myopathy 1; Bethlem Muscular Dystrophy. Identifiers: Orphanet 610, MedGen CN029274, MONDO:0024530, OMIM 158810.

Submission:

Labcorp Genetics (formerly Invitae), Labcorp
Classification: Uncertain significance for Bethlem myopathy 1A. Last evaluated: 2023-09-11. Review status: criteria provided, single submitter. Criteria: Invitae Variant Classification Sherloc (09022015). Collection method: clinical testing. Allele origin: germline.
Comment: In summary, the available evidence is currently insufficient to determine the role of this variant in disease. Therefore, it has been classified as a Variant of Uncertain Significance. Variants that disrupt the consensus splice site are a relatively common cause of aberrant splicing (PMID: 17576681, 9536098). Algorithms developed to predict the effect of sequence changes on RNA splicing suggest that this variant is not likely to affect RNA splicing. This variant has not been reported in the literature in individuals affected with COL6A2-related conditions. This variant is not present in population databases (gnomAD no frequency). This sequence change falls in intron 24 of the COL6A2 gene. It does not directly change the encoded amino acid sequence of the COL6A2 protein. It affects a nucleotide within the consensus splice site.

Literature cited by the submitters: PubMed 17576681; PubMed 9536098.